The following is an entry in ClinVar:

NM_003579.4(RAD54L):c.1758C>A (p.Asn586Lys)

Gene: RAD54L (RAD54 like; plus strand). Cytogenetic location: 1p34.1.
Variant type: single nucleotide variant.
Coding change: c.1758C>A on transcript NM_003579.4 (MANE Select); coding-DNA position 1758, C replaced by A.
Protein change: p.Asn586Lys; replaces asparagine 586 with lysine.
Molecular consequence: missense variant.
Genome position (GRCh38, 1-based): chr1:46,274,606, C>A. VCF-style: chr1-46274606-C-A. GRCh37 (hg19) VCF-style: chr1-46740278-C-A.
Other names: c.1758C>A, p.Asn586Lys (NM_001142548.2); c.1218C>A, p.Asn406Lys (NM_001370766.1); short protein forms N406K, N586K.
Identifiers: ClinVar variation 1779503 (VCV001779503.2), dbSNP rs1298681101, ClinGen allele CA340185557.

ClinVar aggregate classification (germline): Uncertain significance (1 of 4 stars; one submission).

Allele frequency attached by ClinVar (database versions not stated): gnomAD exomes below 0.00001; gnomAD 0.00001.
gnomAD v4.1: 2 of 1,613,758 alleles (0.00012%); highest among the groups gnomAD compares: African/African-American, 0.0013%; no homozygotes.

Submission:

Ambry Genetics
Classification: Uncertain significance. Last evaluated: 2021-12-14. Review status: criteria provided, single submitter. Criteria: Ambry Variant Classification Scheme 2023. Collection method: clinical testing. Allele origin: germline.
Comment: The p.N586K variant (also known as c.1758C>A), located in coding exon 16 of the RAD54L gene, results from a C to A substitution at nucleotide position 1758. The asparagine at codon 586 is replaced by lysine, an amino acid with similar properties. This amino acid position is conserved. In addition, the in silico prediction for this alteration is inconclusive. Since supporting evidence is limited at this time, the clinical significance of this alteration remains unclear.